The following is an entry in ClinVar:

ClinVar aggregate classification (germline): Uncertain significance (1 of 4 stars; one submission).

Conditions:
KBG syndrome (KBGS). Also called: ANKRD11-Related KBG Syndrome. Identifiers: Orphanet 2332, MedGen C0220687, MONDO:0007846, OMIM 148050.

Submission:

Labcorp Genetics (formerly Invitae), Labcorp
Classification: Uncertain significance for KBG syndrome. Last evaluated: 2025-03-26. Review status: criteria provided, single submitter. Criteria: Invitae Variant Classification Sherloc (09022015). Collection method: clinical testing. Allele origin: germline.
Comment: This sequence change replaces glutamic acid, which is acidic and polar, with aspartic acid, which is acidic and polar, at codon 322 of the ANKRD11 protein (p.Glu322Asp). This variant is not present in population databases (gnomAD no frequency). This variant has not been reported in the literature in individuals affected with ANKRD11-related conditions. Invitae Evidence Modeling of protein sequence and biophysical properties (such as structural, functional, and spatial information, amino acid conservation, physicochemical variation, residue mobility, and thermodynamic stability) indicates that this missense variant is not expected to disrupt ANKRD11 protein function with a negative predictive value of 95%. In summary, the available evidence is currently insufficient to determine the role of this variant in disease. Therefore, it has been classified as a Variant of Uncertain Significance.

NM_013275.6(ANKRD11):c.966G>C (p.Glu322Asp)

Gene: ANKRD11 (ankyrin repeat domain 11; minus strand). Cytogenetic location: 16q24.3.
Variant type: single nucleotide variant.
Coding change: c.966G>C on transcript NM_013275.6 (MANE Select); coding-DNA position 966, G replaced by C.
Protein change: p.Glu322Asp; replaces glutamic acid 322 with aspartic acid.
Molecular consequence: missense variant.
Genome position (GRCh38, 1-based): chr16:89,285,576, C>G on the plus strand (G>C on the coding strand, the complement: ANKRD11 is on the minus strand). VCF-style: chr16-89285576-C-G. GRCh37 (hg19) VCF-style: chr16-89351984-C-G.
Other names: c.966G>C, p.Glu322Asp (NM_001256182.2, NM_001256183.2); short protein forms E322D.
Identifiers: ClinVar variation 4768658 (VCV004768658.1).